The following is an entry in ClinVar:

ClinVar aggregate classification (germline): Uncertain significance. Review status: criteria provided, multiple submitters, no conflicts (2 of 4 stars). 4 submissions from 4 submitters: Uncertain significance (4). Last evaluated 2025-09-26.

Conditions:
Inborn genetic diseases. Identifiers: MedGen C0950123, MeSH D030342.
MEGF10-related myopathy (CMYO10A). Also called: Congenital myopathy 10A, severe variant. Identifiers: Orphanet 439212, MedGen C3280679, MONDO:0013731, OMIM 614399.

Allele frequency attached by ClinVar (database versions not stated): gnomAD 0.00005; TOPMed 0.00006; gnomAD exomes 0.00007 and 0.00010; ExAC 0.00010; 1000 Genomes Project 30x 0.00016; 1000 Genomes Project 0.00020; ESP Exome Variant Server 0.00023.
gnomAD v4.1: 116 of 1,613,702 alleles (0.0072%); highest among the groups gnomAD compares: Admixed American, 0.017%; no homozygotes.

Submissions (4):

Ambry Genetics
Classification: Uncertain significance for Inborn genetic diseases. Last evaluated: 2025-09-26. Review status: criteria provided, single submitter. Criteria: Ambry Variant Classification Scheme 2023. Collection method: clinical testing. Allele origin: germline.

Revvity Omics, Revvity
Classification: Uncertain significance. Last evaluated: 2024-07-11. Review status: criteria provided, single submitter. Criteria: ACMG Guidelines, 2015. Collection method: clinical testing. Allele origin: germline.

Labcorp Genetics (formerly Invitae), Labcorp
Classification: Uncertain significance for MEGF10-related myopathy. Last evaluated: 2023-06-19. Review status: criteria provided, single submitter. Criteria: Invitae Variant Classification Sherloc (09022015). Collection method: clinical testing. Allele origin: germline.
Comment: ClinVar contains an entry for this variant (Variation ID: 653083). In summary, the available evidence is currently insufficient to determine the role of this variant in disease. Therefore, it has been classified as a Variant of Uncertain Significance. An algorithm developed to predict the effect of missense changes on protein structure and function (PolyPhen-2) suggests that this variant is likely to be disruptive. This variant has not been reported in the literature in individuals affected with MEGF10-related conditions. This variant is present in population databases (rs371078929, gnomAD 0.02%). This sequence change replaces arginine, which is basic and polar, with tryptophan, which is neutral and slightly polar, at codon 306 of the MEGF10 protein (p.Arg306Trp).

Illumina Laboratory Services, Illumina
Classification: Uncertain significance for MEGF10-related myopathy. Last evaluated: 2018-01-13. Review status: criteria provided, single submitter. Criteria: ICSL Variant Classification Criteria 13 December 2019. Collection method: clinical testing. Allele origin: germline.

NM_001256545.2(MEGF10):c.916C>T (p.Arg306Trp)

Gene: MEGF10 (multiple EGF like domains 10; plus strand). Cytogenetic location: 5q23.2.
Variant type: single nucleotide variant.
Coding change: c.916C>T on transcript NM_001256545.2 (MANE Select); coding-DNA position 916, C replaced by T.
Protein change: p.Arg306Trp; replaces arginine 306 with tryptophan.
Molecular consequence: missense variant.
Genome position (GRCh38, 1-based): chr5:127,402,681, C>T. VCF-style: chr5-127402681-C-T. GRCh37 (hg19) VCF-style: chr5-126738373-C-T.
Other names: c.916C>T, p.Arg306Trp (NM_001308119.2, NM_001308121.2, NM_032446.3); short protein forms R306W.
Identifiers: ClinVar variation 653083 (VCV000653083.13), dbSNP rs371078929, ClinGen allele CA3391429.